The following is an entry in ClinVar:

ClinVar aggregate classification (germline): Uncertain significance. Review status: criteria provided, multiple submitters, no conflicts (2 of 4 stars). 6 submissions from 6 submitters: Uncertain significance (5). 1 of the submissions does not count toward it. Last evaluated 2025-04-12.

Conditions:
SBF1-related disorder. Also called: SBF1-related condition.
Charcot-Marie-Tooth disease type 4B3. Also called: CHARCOT-MARIE-TOOTH DISEASE, DEMYELINATING, TYPE 4B3; Charcot-Marie-Tooth Neuropathy Type 4B3. Identifiers: Orphanet 363981, MedGen C3695063, MONDO:0014117, OMIM 615284.

Allele frequency attached by ClinVar (database versions not stated): TOPMed 0.00008.
gnomAD v4.1: 331 of 1,613,760 alleles (0.021%); highest among the groups gnomAD compares: Non-Finnish European, 0.027%; no homozygotes.

Submissions (6):

Ambry Genetics
Classification: Uncertain significance. Last evaluated: 2025-04-12. Review status: criteria provided, single submitter. Criteria: Ambry Variant Classification Scheme 2023. Collection method: clinical testing. Allele origin: germline.

Blueprint Genetics
Classification: Uncertain significance. Last evaluated: 2024-08-22. Review status: criteria provided, single submitter. Criteria: ACMG Guidelines, 2015. Collection method: clinical testing. Allele origin: germline.

Labcorp Genetics (formerly Invitae), Labcorp
Classification: Uncertain significance. Last evaluated: 2022-03-31. Review status: criteria provided, single submitter. Criteria: Invitae Variant Classification Sherloc (09022015). Collection method: clinical testing. Allele origin: germline.
Comment: This sequence change replaces alanine, which is neutral and non-polar, with glycine, which is neutral and non-polar, at codon 1836 of the SBF1 protein (p.Ala1836Gly). This variant is present in population databases (rs373534319, gnomAD 0.02%). This variant has not been reported in the literature in individuals affected with SBF1-related conditions. ClinVar contains an entry for this variant (Variation ID: 811310). Algorithms developed to predict the effect of missense changes on protein structure and function (SIFT, PolyPhen-2, Align-GVGD) all suggest that this variant is likely to be tolerated. In summary, the available evidence is currently insufficient to determine the role of this variant in disease. Therefore, it has been classified as a Variant of Uncertain Significance.

Mayo Clinic Laboratories, Mayo Clinic
Classification: Uncertain significance. Last evaluated: 2020-12-22. Review status: criteria provided, single submitter. Criteria: ACMG Guidelines, 2015. Collection method: clinical testing. Allele origin: germline. Observed: 2 variant alleles.

ARUP Laboratories, Molecular Genetics and Genomics, ARUP Laboratories
Classification: Uncertain significance for Charcot-Marie-Tooth disease type 4B3. Last evaluated: 2019-03-04. Review status: criteria provided, single submitter. Criteria: ARUP Molecular Germline Variant Investigation Process. Collection method: clinical testing. Allele origin: germline.
Comment: The SBF1 c.5507C>G; p.Ala1836Gly variant (rs373534319), to our knowledge, is not described in the medical literature or in gene-specific databases. It is observed in the non-Finnish European population at an overall frequency of 0.025% (32/128628 alleles) in the Genome Aggregation Database. The alanine at codon 1836 is moderately conserved, and computational algorithms (PolyPhen-2, SIFT) predict that this variant is deleterious. However, due to the lack of clinical and functional data regarding this variant, its clinical significance cannot be determined with certainty.

PreventionGenetics, part of Exact Sciences
Classification: Uncertain significance for SBF1-related condition. Last evaluated: 2024-02-29. Review status: no assertion criteria provided. Collection method: clinical testing. Allele origin: germline. Not counted in ClinVar's aggregate classification.
Comment: The SBF1 c.5507C>G variant is predicted to result in the amino acid substitution p.Ala1836Gly. To our knowledge, this variant has not been reported in the literature. This variant is reported in 0.025% of alleles in individuals of European (Non-Finnish) descent in gnomAD. At this time, the clinical significance of this variant is uncertain due to the absence of conclusive functional and genetic evidence.

NM_002972.4(SBF1):c.5507C>G (p.Ala1836Gly)

Gene: SBF1 (SET binding factor 1; minus strand). Cytogenetic location: 22q13.33.
Variant type: single nucleotide variant.
Coding change: c.5507C>G on transcript NM_002972.4 (MANE Select); coding-DNA position 5507, C replaced by G.
Protein change: p.Ala1836Gly; replaces alanine 1836 with glycine.
Molecular consequence: missense variant.
Genome position (GRCh38, 1-based): chr22:50,447,398, G>C on the plus strand (C>G on the coding strand, the complement: SBF1 is on the minus strand). VCF-style: chr22-50447398-G-C. GRCh37 (hg19) VCF-style: chr22-50885827-G-C.
Other names: c.5432C>G, p.Ala1811Gly (NM_001365819.1); c.5507C>G (NM_002972.2); short protein forms A1811G, A1836G.
Identifiers: ClinVar variation 811310 (VCV000811310.21), dbSNP rs373534319, ClinGen allele CA10315808.